The following is an entry in ClinVar:

ClinVar aggregate classification (germline): Likely pathogenic (1 of 4 stars; one submission).

Conditions:
Cataract 15 multiple types. Also called: CATARACT 15, LAMELLAR WITH SUTURAL OPACITIES. Identifiers: Orphanet 91492, MedGen C3809001, MONDO:0014110, OMIM 615274.

Submission:

Greenwood Genetic Center Diagnostic Laboratories, Greenwood Genetic Center
Classification: Likely pathogenic for Cataract 15 multiple types. Last evaluated: 2022-05-26. Review status: criteria provided, single submitter. Criteria: ACMG Guidelines, 2015. Collection method: clinical testing. Allele origin: germline. Affected: yes.
Comment: PVS1 PM2

NM_012064.4(MIP):c.559del (p.Arg187fs)

Gene: MIP (major intrinsic protein of lens fiber; minus strand). Cytogenetic location: 12q13.3.
Variant type: Deletion.
Coding change: c.559del on transcript NM_012064.4 (MANE Select); coding-DNA position 559, one base deleted (C; older notation c.559delC).
Protein change: p.Arg187fs; shifts the reading frame from arginine 187.
Molecular consequence: frameshift variant.
Genome position (GRCh38, 1-based): chr12:56,453,119, G deleted on the plus strand (C on the coding strand, the reverse complement: MIP is on the minus strand); the first of 3 consecutive G bases (chr12:56,453,119-56,453,121); deleting any one gives the same sequence. VCF-style (leftmost placement, unchanged base first): chr12-56453118-CG-C. GRCh37 (hg19) VCF-style: chr12-56846902-CG-C.
Other names: short protein forms R187fs.
Identifiers: ClinVar variation 1703071 (VCV001703071.3), dbSNP rs2547312891, ClinGen allele CA2580086514.
Genomic context (GRCh38, chr12:56,453,118, plus strand): 5'-CTCCCTTCACTCACCCAGTGGTTAGTGAAGTTCCCAGTGAGAATGGCAGGAGCAAAGGAG[CG>C]GGCAGGATTCATGCCTGCACCAGTATAATACATCTGCAAAAGAGACAGTTGTAACTGAGA-3'